The following is an entry in ClinVar:

NM_001382430.1(AKT1):c.783G>A (p.Leu261=)

Gene: AKT1 (AKT serine/threonine kinase 1; minus strand). Cytogenetic location: 14q32.33.
Variant type: single nucleotide variant.
Coding change: c.783G>A on transcript NM_001382430.1 (MANE Select); coding-DNA position 783, G replaced by A.
Protein change: p.Leu261=; no amino-acid change (leucine 261 retained).
Molecular consequence: synonymous variant.
Genome position (GRCh38, 1-based): chr14:104,773,500, C>T on the plus strand (G>A on the coding strand, the complement: AKT1 is on the minus strand). VCF-style: chr14-104773500-C-T. GRCh37 (hg19) VCF-style: chr14-105239837-C-T.
Other names: c.783G>A, p.Leu261= (NM_001014431.2, NM_001014432.2, NM_001382431.1 and 3 more transcripts).
Identifiers: ClinVar variation 416471 (VCV000416471.15), dbSNP rs143933508, ClinGen allele CA7374646.
Genomic context (GRCh38, chr14:104,773,500, plus strand): 5'-TGCCCGCCAGCGCACCTTGAGGTCCCGGTACACCACGTTCTTCTCCGAGTGCAGGTAGTC[C>T]AGGGCTGACACAATCTCAGCGCCATAGAAGCGGGCCCGGTCCTCGGAGAACACACGCTCC-3'
Protein context (NP_001369359.1, residues 251-271): RFYGAEIVSA[Leu261=]DYLHSEKNVV

ClinVar aggregate classification (germline): Likely benign. Review status: criteria provided, multiple submitters, no conflicts (2 of 4 stars). 3 submissions from 3 submitters: Likely benign (2). 1 of the submissions does not count toward it. Last evaluated 2025-12-15.

Conditions:
AKT1-related disorder. Also called: AKT1-related condition.
Inborn genetic diseases. Identifiers: MedGen C0950123, MeSH D030342.
Cowden syndrome 6 (CWS6). Identifiers: Orphanet 201, MedGen C3554519, MONDO:0014048, OMIM 615109.

Allele frequency attached by ClinVar (database versions not stated): gnomAD exomes 0.00001 and 0.00003; ExAC 0.00005; ESP Exome Variant Server 0.00008; gnomAD 0.00016 and 0.00017; TOPMed 0.00017.
gnomAD v4.1: 37 of 1,613,684 alleles (0.0023%); highest among the groups gnomAD compares: African/African-American, 0.049%; no homozygotes.

Submissions (3):

Labcorp Genetics (formerly Invitae), Labcorp
Classification: Likely benign for Cowden syndrome 6. Last evaluated: 2025-12-15. Review status: criteria provided, single submitter. Criteria: Invitae Variant Classification Sherloc (09022015). Collection method: clinical testing. Allele origin: germline.

Ambry Genetics
Classification: Likely benign for Inborn genetic diseases. Last evaluated: 2022-02-22. Review status: criteria provided, single submitter. Criteria: Ambry Variant Classification Scheme 2023. Collection method: clinical testing. Allele origin: germline.

PreventionGenetics, part of Exact Sciences
Classification: Likely benign for AKT1-related condition. Last evaluated: 2019-08-26. Review status: no assertion criteria provided. Collection method: clinical testing. Allele origin: germline. Not counted in ClinVar's aggregate classification.
Comment: This variant is classified as likely benign based on ACMG/AMP sequence variant interpretation guidelines (Richards et al. 2015 PMID: 25741868, with internal and published modifications).